The following is an entry in ClinVar:

NM_016532.4(INPP5K):c.981T>C (p.Ser327=)

Gene: INPP5K (inositol polyphosphate-5-phosphatase K; minus strand). Cytogenetic location: 17p13.3.
Variant type: single nucleotide variant.
Coding change: c.981T>C on transcript NM_016532.4 (MANE Select); coding-DNA position 981, T replaced by C.
Protein change: p.Ser327=; no amino-acid change (serine 327 retained).
Molecular consequence: synonymous variant.
Genome position (GRCh38, 1-based): chr17:1,496,786, A>G on the plus strand (T>C on the coding strand, the complement: INPP5K is on the minus strand). VCF-style: chr17-1496786-A-G. GRCh37 (hg19) VCF-style: chr17-1400080-A-G.
Other names: c.753T>C, p.Ser251= (NM_001135642.2, NM_130766.3).
Identifiers: ClinVar variation 5038927 (VCV005038927.1).

ClinVar aggregate classification (germline): Likely benign (1 of 4 stars; one submission).

gnomAD v4.1: 44 of 1,614,136 alleles (0.0027%); highest among the groups gnomAD compares: Admixed American, 0.038%; no homozygotes.

Submission:

CeGaT Center for Human Genetics Tuebingen
Classification: Likely benign. Last evaluated: 2026-07-01. Review status: criteria provided, single submitter. Criteria: CeGaT Center For Human Genetics Tuebingen Variant Classification Criteria Version 2. Collection method: clinical testing. Allele origin: germline. Affected: yes. Observed: 1 variant allele.
Comment: INPP5K: BP4, BP7